The following is an entry in ClinVar:

ClinVar aggregate classification (germline): Uncertain significance (1 of 4 stars; one submission).

Submission:

CeGaT Center for Human Genetics Tuebingen
Classification: Uncertain significance. Last evaluated: 2025-07-01. Review status: criteria provided, single submitter. Criteria: CeGaT Center For Human Genetics Tuebingen Variant Classification Criteria Version 2. Collection method: clinical testing. Allele origin: germline. Affected: yes. Observed: 1 variant allele.
Comment: COL1A2: PM2, PS2:Moderate, PP3

NM_000089.4(COL1A2):c.1557+5G>A

Gene: COL1A2 (collagen type I alpha 2 chain; plus strand). Cytogenetic location: 7q21.3.
Variant type: single nucleotide variant.
Coding change: c.1557+5G>A on transcript NM_000089.4 (MANE Select); 5 bases into the intron after coding-DNA position 1557, G replaced by A.
Molecular consequence: intron variant.
Genome position (GRCh38, 1-based): chr7:94,413,141, G>A. VCF-style: chr7-94413141-G-A. GRCh37 (hg19) VCF-style: chr7-94042453-G-A.
Identifiers: ClinVar variation 4085346 (VCV004085346.8).